The following is an entry in ClinVar:

NM_000057.4(BLM):c.274A>G (p.Asn92Asp)

Gene: BLM (BLM RecQ like helicase; plus strand). Cytogenetic location: 15q26.1.
Variant type: single nucleotide variant.
Coding change: c.274A>G on transcript NM_000057.4 (MANE Select); coding-DNA position 274, A replaced by G.
Protein change: p.Asn92Asp; replaces asparagine 92 with aspartic acid.
Molecular consequence: missense variant. On other transcripts: 5 prime UTR variant (1).
Genome position (GRCh38, 1-based): chr15:90,749,542, A>G. VCF-style: chr15-90749542-A-G. GRCh37 (hg19) VCF-style: chr15-91292772-A-G.
Other names: p.N92D:AAT>GAT; c.274A>G, p.Asn92Asp (NM_001287246.2, NM_001287247.2); c.-1018A>G (NM_001287248.2); short protein forms N92D.
Identifiers: ClinVar variation 127493 (VCV000127493.38), dbSNP rs200690226, ClinGen allele CA249282.

ClinVar aggregate classification (germline): Conflicting classifications of pathogenicity. Review status: criteria provided, conflicting classifications (1 of 4 stars). 13 submissions from 13 submitters: Uncertain significance (10); Benign (1); Likely benign (1). 1 of the submissions does not count toward it. Last evaluated 2026-07-01.

Conditions:
Hereditary cancer-predisposing syndrome. Also called: Neoplastic Syndromes, Hereditary; Hereditary Cancer Syndrome; Tumor predisposition; Hereditary neoplastic syndrome. Identifiers: Orphanet 140162, MedGen C0027672, MeSH D009386, MONDO:0015356.
Bloom syndrome (BLM). Also called: Bloom-Torre-Machacek syndrome. Identifiers: Orphanet 125, MedGen C0005859, MONDO:0008876, OMIM 210900.

Allele frequency attached by ClinVar (database versions not stated): ExAC 0.00014; gnomAD exomes 0.00014; TOPMed 0.00014; ESP Exome Variant Server 0.00015; gnomAD 0.00015 and 0.00016; 1000 Genomes Project 30x 0.00016; 1000 Genomes Project 0.00020.
gnomAD v4.1: 230 of 1,614,212 alleles (0.014%); highest among the groups gnomAD compares: Non-Finnish European, 0.018%; no homozygotes.

Submissions (13):

CeGaT Center for Human Genetics Tuebingen
Classification: Uncertain significance. Last evaluated: 2026-07-01. Review status: criteria provided, single submitter. Criteria: CeGaT Center For Human Genetics Tuebingen Variant Classification Criteria Version 2. Collection method: clinical testing. Allele origin: germline. Affected: yes. Observed: 1 variant allele.
Comment: BLM: PM2, BP4

Labcorp Genetics (formerly Invitae), Labcorp
Classification: Benign for Bloom syndrome. Last evaluated: 2026-01-28. Review status: criteria provided, single submitter. Criteria: Invitae Variant Classification Sherloc (09022015). Collection method: clinical testing. Allele origin: germline.

GeneDx
Classification: Uncertain significance. Last evaluated: 2025-09-19. Review status: criteria provided, single submitter. Criteria: GeneDx Variant Classification Process June 2021. Collection method: clinical testing. Allele origin: germline. Affected: yes.
Comment: In silico analysis suggests that this missense variant does not alter protein structure/function; Observed in the heterozygous and homozygous state in patients with breast cancer (PMID: 30262796, 35264596); This variant is associated with the following publications: (PMID: 35264596, 30262796, 28944238)

Ambry Genetics
Classification: Likely benign for Hereditary cancer-predisposing syndrome. Last evaluated: 2025-01-14. Review status: criteria provided, single submitter. Criteria: Ambry Variant Classification Scheme 2023. Collection method: clinical testing. Allele origin: germline.

Quest Diagnostics Nichols Institute San Juan Capistrano
Classification: Uncertain significance. Last evaluated: 2024-08-01. Review status: criteria provided, single submitter. Criteria: Quest Diagnostics criteria. Collection method: clinical testing. Allele origin: unknown.
Comment: The BLM c.274A>G (p.Asn92Asp) variant has been reported in the published literature in an individual with breast cancer (PMID: 35264596 (2022)). This variant has also been reported in an individual homozygous for the variant and suspected of hereditary breast and ovarian cancer syndrome (PMID: 30262796 (2018)). The frequency of this variant in the general population, 0.00043 (5/11600 chromosomes (Genome Aggregation Database)), is uninformative in the assessment of its pathogenicity. Analysis of this variant using bioinformatics tools for the prediction of the effect of amino acid changes on protein structure and function yielded predictions that this variant is benign. Based on the available information, we are unable to determine the clinical significance of this variant.

Genetic Services Laboratory, University of Chicago
Classification: Uncertain significance. Last evaluated: 2022-01-18. Review status: criteria provided, single submitter. Criteria: ACMG Guidelines, 2015. Collection method: clinical testing. Allele origin: germline. Affected: no.
Comment: DNA sequence analysis of the BLM gene demonstrated a sequence change, c.274A>G, in exon 3 that results in an amino acid change, p.Asn92Asp. This sequence change has been described in the gnomAD database with a frequency of 0.023% in the non-Finnish European subpopulation (dbSNP rs200690226). The p.Asn92Asp change affects a poorly conserved amino acid residue located in a domain of the BLM protein that is not known to be functional. The p.Asn92Asp substitution appears to be benign using several in-silico pathogenicity prediction tools (SIFT, PolyPhen2, Align GVGD, REVEL). This sequence change has previously described in an individual with breast cancer (PMID: 30262796). Due to insufficient evidences and the lack of functional studies, the clinical significance of the p.Asn92Asp change remains unknown at this time.

Institute for Clinical Genetics, University Hospital TU Dresden, University Hospital TU Dresden
Classification: Uncertain significance. Last evaluated: 2021-11-03. Review status: criteria provided, single submitter. Criteria: ACMG Guidelines, 2015. Collection method: clinical testing. Allele origin: germline.

Sema4
Classification: Uncertain significance for Hereditary cancer-predisposing syndrome. Last evaluated: 2021-09-13. Review status: criteria provided, single submitter. Criteria: Sema4 Curation Guidelines. Collection method: curation. Allele origin: germline.
Comment: The BLM c.274A>G (p.N92D) variant has been reported as homozygous in at least one individual with a personal/family history of breast cancer (PMID: 30262796). Detailed phenotypic information was not available for this patient to determine if features of Bloom syndrome were present. It was observed in 30/129096 chromosomes of the Non-Finnish European subpopulation, with no homozygotes, in the large and broad cohorts of the Genome Aggregation Database (PMID: 32461654). The variant has been reported in ClinVar (Variation ID: 127493). In silico tools suggest the impact of the variant on protein function is benign, though these predictions have not been confirmed by functional studies. The evidence is insufficient to meet ACMG/AMP criteria for classifying the variant as benign or pathogenic. Thus, the clinical significance of this variant is currently uncertain.

Pars Genome Lab
Classification: Uncertain significance for Bloom syndrome. Last evaluated: 2021-05-18. Review status: criteria provided, single submitter. Criteria: ACMG Guidelines, 2015. Collection method: clinical testing. Allele origin: germline. Affected: no.

Fulgent Genetics
Classification: Uncertain significance for Bloom syndrome. Last evaluated: 2018-10-31. Review status: criteria provided, single submitter. Criteria: ACMG Guidelines, 2015. Collection method: clinical testing. Allele origin: unknown.

Mendelics
Classification: Uncertain significance for Bloom syndrome. Last evaluated: 2018-07-02. Review status: criteria provided, single submitter. Criteria: Mendelics Assertion Criteria 2017. Collection method: clinical testing. Allele origin: unknown.

Genomic Diagnostic Laboratory, Division of Genomic Diagnostics, Children's Hospital of Philadelphia
Classification: Uncertain significance. Last evaluated: 2015-06-19. Review status: criteria provided, single submitter. Criteria: DGD Variant Analysis Guidelines. Collection method: clinical testing. Allele origin: unknown.

Natera, Inc.
Classification: Uncertain significance for Bloom syndrome. Last evaluated: 2018-05-29. Review status: no assertion criteria provided. Collection method: clinical testing. Allele origin: germline. Not counted in ClinVar's aggregate classification.

Literature cited by the submitters: PubMed 30262796 (cited by 3 submitters); PubMed 35264596 (cited by Quest Diagnostics Nichols Institute San Juan Capistrano); PubMed 28944238 (cited by Quest Diagnostics Nichols Institute San Juan Capistrano).